The following is an entry in ClinVar:

NM_006118.4(HAX1):c.505-1G>C

Gene: HAX1 (HCLS1 associated protein X-1; plus strand). Cytogenetic location: 1q21.3.
Variant type: single nucleotide variant.
Coding change: c.505-1G>C on transcript NM_006118.4 (MANE Select); the canonical splice acceptor site of the intron before coding-DNA position 505, G replaced by C.
Molecular consequence: splice acceptor variant.
Genome position (GRCh38, 1-based): chr1:154,274,949, G>C. VCF-style: chr1-154274949-G-C. GRCh37 (hg19) VCF-style: chr1-154247425-G-C.
Other names: c.361-1G>C (NM_001018837.2).
Identifiers: ClinVar variation 2907291 (VCV002907291.3), dbSNP rs1684899990, ClinGen allele CA342592995.
Genomic context (GRCh38, chr1:154,274,949, plus strand): 5'-TATGACCTTTCAAATTTCAGATTGGAAGGAGTCTTTTCACTTACTATGGTTTCTTCTGCA[G>C]TTTGATGATGTATGGCCTATGGACCCCCATCCTAGAACCAGAGAGGACAATGGTAAGTCT-3'

ClinVar aggregate classification (germline): Pathogenic (1 of 4 stars; one submission).

Conditions:
Kostmann syndrome (SCN3). Also called: KOSTMANN DISEASE; Autosomal recessive severe congenital neutropenia type 3. Identifiers: Orphanet 99749, MedGen C5235141, MONDO:0012548, OMIM 610738.

Submission:

Labcorp Genetics (formerly Invitae), Labcorp
Classification: Pathogenic for Kostmann syndrome. Last evaluated: 2023-03-15. Review status: criteria provided, single submitter. Criteria: Invitae Variant Classification Sherloc (09022015). Collection method: clinical testing. Allele origin: germline.
Comment: Algorithms developed to predict the effect of sequence changes on RNA splicing suggest that this variant may disrupt the consensus splice site. For these reasons, this variant has been classified as Pathogenic. Studies have shown that disruption of this splice site alters HAX1 gene expression (PMID: 33560082). Disruption of this splice site has been observed in individual(s) with congenital neutropenia (PMID: 31321910, 33560082). This variant is not present in population databases (gnomAD no frequency). This sequence change affects an acceptor splice site in intron 3 of the HAX1 gene. It is expected to disrupt RNA splicing. Variants that disrupt the donor or acceptor splice site typically lead to a loss of protein function (PMID: 16199547), and loss-of-function variants in HAX1 are known to be pathogenic (PMID: 17187068).

Literature cited by the submitters: PubMed 33560082; PubMed 31321910; PubMed 16199547; PubMed 17187068.